The following is an entry in ClinVar:

NM_144997.7(FLCN):c.71T>G (p.Val24Gly)

Gene: FLCN (folliculin; minus strand). Cytogenetic location: 17p11.2.
Variant type: single nucleotide variant.
Coding change: c.71T>G on transcript NM_144997.7 (MANE Select); coding-DNA position 71, T replaced by G.
Protein change: p.Val24Gly; replaces valine 24 with glycine.
Molecular consequence: missense variant.
Genome position (GRCh38, 1-based): chr17:17,228,067, A>C on the plus strand (T>G on the coding strand, the complement: FLCN is on the minus strand). VCF-style: chr17-17228067-A-C. GRCh37 (hg19) VCF-style: chr17-17131381-A-C.
Other names: c.71T>G, p.Val24Gly (NM_001353229.2, NM_001353230.2, NM_001353231.2 and 1 more transcripts); short protein forms V24G.
Identifiers: ClinVar variation 4643083 (VCV004643083.1).

ClinVar aggregate classification (germline): Uncertain significance (1 of 4 stars; one submission).

Conditions:
Hereditary cancer-predisposing syndrome. Also called: Neoplastic Syndromes, Hereditary; Tumor predisposition; Hereditary Cancer Syndrome; Hereditary neoplastic syndrome. Identifiers: Orphanet 140162, MedGen C0027672, MeSH D009386, MONDO:0015356.

Submission:

Ambry Genetics
Classification: Uncertain significance for Hereditary cancer-predisposing syndrome. Last evaluated: 2025-11-02. Review status: criteria provided, single submitter. Criteria: Ambry Variant Classification Scheme 2023. Collection method: clinical testing. Allele origin: germline.
Comment: The p.V24G variant (also known as c.71T>G), located in coding exon 1 of the FLCN gene, results from a T to G substitution at nucleotide position 71. The valine at codon 24 is replaced by glycine, an amino acid with dissimilar properties. This amino acid position is conserved. In addition, the in silico prediction for this alteration is inconclusive. Based on the available evidence, the clinical significance of this variant remains unclear.